The following is an entry in ClinVar:

NM_198578.4(LRRK2):c.2677C>G (p.Leu893Val)

Gene: LRRK2 (leucine rich repeat kinase 2; plus strand). Cytogenetic location: 12q12.
Variant type: single nucleotide variant.
Coding change: c.2677C>G on transcript NM_198578.4 (MANE Select); coding-DNA position 2677, C replaced by G.
Protein change: p.Leu893Val; replaces leucine 893 with valine.
Molecular consequence: missense variant.
Genome position (GRCh38, 1-based): chr12:40,287,527, C>G. VCF-style: chr12-40287527-C-G. GRCh37 (hg19) VCF-style: chr12-40681329-C-G.
Other names: short protein forms L893V.
Identifiers: ClinVar variation 1794617 (VCV001794617.3), dbSNP rs1943976303, ClinGen allele CA384409255.

ClinVar aggregate classification (germline): Uncertain significance (1 of 4 stars; one submission).

Conditions:
Inborn genetic diseases. Identifiers: MedGen C0950123, MeSH D030342.

Allele frequency attached by ClinVar (database versions not stated): TOPMed below 0.00001.

Submission:

Ambry Genetics
Classification: Uncertain significance for Inborn genetic diseases. Last evaluated: 2024-11-15. Review status: criteria provided, single submitter. Criteria: Ambry Variant Classification Scheme 2023. Collection method: clinical testing. Allele origin: germline.
Comment: The p.L893V variant (also known as c.2677C>G), located in coding exon 20 of the LRRK2 gene, results from a C to G substitution at nucleotide position 2677. The leucine at codon 893 is replaced by valine, an amino acid with highly similar properties. This amino acid position is conserved. In addition, this alteration is predicted to be tolerated by in silico analysis. Since supporting evidence is limited at this time, the clinical significance of this alteration remains unclear.